The following is an entry in ClinVar:

ClinVar aggregate classification (germline): Benign. Review status: criteria provided, single submitter (1 of 4 stars). 2 submissions from 2 submitters: Benign (1). 1 of the submissions does not count toward it. Last evaluated 2018-07-13.

Conditions:
GMPR POLYMORPHISM.

Allele frequency attached by ClinVar (database versions not stated): gnomAD exomes 0.53629; ExAC 0.54440; gnomAD 0.56197 and 0.56721; TOPMed 0.57825; 1000 Genomes Project 30x 0.70534; 1000 Genomes Project 0.70627.

Submissions (2):

GeneDx
Classification: Benign. Last evaluated: 2018-07-13. Review status: criteria provided, single submitter. Criteria: GeneDx Variant Classification Process June 2021. Collection method: clinical testing. Allele origin: germline. Affected: yes.
Comment: This variant is associated with the following publications: (PMID: 29874175)

OMIM
Classification: Benign for GMPR POLYMORPHISM. Last evaluated: 2025-01-07. Review status: no assertion criteria provided. Collection method: literature only. Allele origin: germline. Not counted in ClinVar's aggregate classification.

Literature cited by the submitters: PubMed 1757097 (cited by OMIM).

NM_006877.4(GMPR):c.766T>A (p.Phe256Ile)

Gene: GMPR (guanosine monophosphate reductase; plus strand). Cytogenetic location: 6p22.3.
Variant type: single nucleotide variant.
Coding change: c.766T>A on transcript NM_006877.4 (MANE Select); coding-DNA position 766, T replaced by A.
Protein change: p.Phe256Ile; replaces phenylalanine 256 with isoleucine.
Molecular consequence: missense variant.
Genome position (GRCh38, 1-based): chr6:16,290,530, T>A. VCF-style: chr6-16290530-T-A. GRCh37 (hg19) VCF-style: chr6-16290761-T-A.
Other names: short protein forms F256I.
Identifiers: ClinVar variation 15961 (VCV000015961.6), dbSNP rs1042391, ClinGen allele CA126109.